The following is an entry in ClinVar:

ClinVar aggregate classification (germline): Pathogenic (1 of 4 stars; one submission).

Conditions:
Ataxia-telangiectasia syndrome (AT). Also called: LOUIS-BAR SYNDROME; Ataxia-telangiectasia, complementation group D; AT, COMPLEMENTATION GROUP C; Cerebello-oculocutaneous telangiectasia; Immunodeficiency with ataxia telangiectasia; ATAXIA-TELANGIECTASIA, COMPLEMENTATION GROUP A. Identifiers: Orphanet 100, MedGen C0004135, MONDO:0008840, OMIM 208900.

Submission:

Labcorp Genetics (formerly Invitae), Labcorp
Classification: Pathogenic for Ataxia-telangiectasia syndrome. Last evaluated: 2020-12-03. Review status: criteria provided, single submitter. Criteria: Invitae Variant Classification Sherloc (09022015). Collection method: clinical testing. Allele origin: germline.
Comment: This sequence change creates a premature translational stop signal (p.Trp1026Glyfs*3) in the ATM gene. It is expected to result in an absent or disrupted protein product. For these reasons, this variant has been classified as Pathogenic. Loss-of-function variants in ATM are known to be pathogenic (PMID: 23807571, 25614872). This variant has not been reported in the literature in individuals with ATM-related conditions. This variant is not present in population databases (ExAC no frequency).

Literature cited by the submitters: PubMed 23807571; PubMed 25614872.

NM_000051.4(ATM):c.3076del (p.Trp1026fs)

Gene: ATM (ATM serine/threonine kinase; plus strand). Cytogenetic location: 11q22.3.
Variant type: Deletion.
Coding change: c.3076del on transcript NM_000051.4 (MANE Select); coding-DNA position 3076, one base deleted (T; older notation c.3076delT).
Protein change: p.Trp1026fs; shifts the reading frame from tryptophan 1026.
Molecular consequence: frameshift variant.
Genome position (GRCh38, 1-based): chr11:108,271,405, T deleted; the last of 4 consecutive T bases (chr11:108,271,402-108,271,405); deleting any one gives the same sequence. VCF-style (leftmost placement, unchanged base first): chr11-108271401-AT-A. GRCh37 (hg19) VCF-style: chr11-108142128-AT-A.
Other names: c.3076del, p.Trp1026fs (NM_001351834.2); short protein forms W1026fs.
Identifiers: ClinVar variation 1069467 (VCV001069467.7), dbSNP rs2135554957, ClinGen allele CA2499220603.
Genomic context (GRCh38, chr11:108,271,401, plus strand): 5'-CAATATGGACTCTGAGAACACAAGGGATGCTCAAGGACAGTTTCTTACAGTAATTGGAGC[AT>A]TTTGGTAGGTACAGTCTATTTTGTGGTCCTATTTTTCTTTTGCTATCTGTGGATACGAAT-3'